The following is an entry in ClinVar:

NM_001366722.1(GRIP1):c.3172C>T (p.Arg1058Ter)

Gene: GRIP1 (glutamate receptor interacting protein 1; minus strand). Cytogenetic location: 12q14.3.
Variant type: single nucleotide variant.
Coding change: c.3172C>T on transcript NM_001366722.1 (MANE Select); coding-DNA position 3172, C replaced by T.
Protein change: p.Arg1058Ter; replaces arginine 1058 with a stop codon.
Molecular consequence: nonsense.
Genome position (GRCh38, 1-based): chr12:66,349,234, G>A on the plus strand (C>T on the coding strand, the complement: GRIP1 is on the minus strand). VCF-style: chr12-66349234-G-A. GRCh37 (hg19) VCF-style: chr12-66743014-G-A.
Other names: c.2971C>T, p.Arg991Ter (NM_001178074.2, NM_001379351.1); c.3091C>T, p.Arg1031Ter (NM_001366723.1); c.3094C>T, p.Arg1032Ter (NM_001366724.1); c.3250C>T, p.Arg1084Ter (NM_001379345.1); c.3127C>T, p.Arg1043Ter (NM_001379346.1, NM_001439323.1); c.3049C>T, p.Arg1017Ter (NM_001379347.1); c.3046C>T, p.Arg1016Ter (NM_001379348.1); c.3019C>T, p.Arg1007Ter (NM_001379349.1); and 2 more; short protein forms R1006*, R1007*, R1016*, R1017*, R1031*, R1032*, R1043*, R1044*.
Identifiers: ClinVar variation 5020262 (VCV005020262.1).

ClinVar aggregate classification (germline): Uncertain significance (1 of 4 stars; one submission).

gnomAD v4.1: 5 of 1,613,154 alleles (0.00031%); highest among the groups gnomAD compares: East Asian, 0.0022%; no homozygotes.

Submission:

Dasa
Classification: Uncertain significance. Last evaluated: 2026-07-04. Review status: criteria provided, single submitter. Criteria: DASA Assertion Criteria. Collection method: clinical testing. Allele origin: germline.
Comment: NM_001366722.1(GRIP1):c.3172C>T (p.Arg1058*) is a nonsense variant in GRIP1 predicted to introduce a premature termination codon and is predicted to result in an absent or altered protein product. This variant is rare in population databases. The currently available literature and clinical evidence are not sufficient to establish a definitive association between this variant and the reported condition. Therefore, this variant is classified as a variant of uncertain significance.